The following is an entry in ClinVar:

ClinVar aggregate classification (germline): Uncertain significance (1 of 4 stars; one submission).

Conditions:
Autosomal recessive polycystic kidney disease (ARPKD). Also called: AR polycystic kidney disease. Identifiers: Orphanet 731, Orphanet 8378, MedGen C0085548, MeSH D017044, MONDO:0009889.

Submission:

Labcorp Genetics (formerly Invitae), Labcorp
Classification: Uncertain significance for Autosomal recessive polycystic kidney disease. Last evaluated: 2023-12-21. Review status: criteria provided, single submitter. Criteria: Invitae Variant Classification Sherloc (09022015). Collection method: clinical testing. Allele origin: germline.
Comment: This sequence change replaces proline, which is neutral and non-polar, with alanine, which is neutral and non-polar, at codon 2864 of the PKHD1 protein (p.Pro2864Ala). This variant is not present in population databases (gnomAD no frequency). This variant has not been reported in the literature in individuals affected with PKHD1-related conditions. ClinVar contains an entry for this variant (Variation ID: 1715708). Advanced modeling of protein sequence and biophysical properties (such as structural, functional, and spatial information, amino acid conservation, physicochemical variation, residue mobility, and thermodynamic stability) performed at Invitae indicates that this missense variant is not expected to disrupt PKHD1 protein function with a negative predictive value of 95%. In summary, the available evidence is currently insufficient to determine the role of this variant in disease. Therefore, it has been classified as a Variant of Uncertain Significance.

NM_138694.4(PKHD1):c.8590C>G (p.Pro2864Ala)

Gene: PKHD1 (PKHD1 ciliary IPT domain containing fibrocystin/polyductin; minus strand). Cytogenetic location: 6p12.3.
Variant type: single nucleotide variant.
Coding change: c.8590C>G on transcript NM_138694.4 (MANE Select); coding-DNA position 8590, C replaced by G.
Protein change: p.Pro2864Ala; replaces proline 2864 with alanine.
Molecular consequence: missense variant.
Genome position (GRCh38, 1-based): chr6:51,772,754, G>C on the plus strand (C>G on the coding strand, the complement: PKHD1 is on the minus strand). VCF-style: chr6-51772754-G-C. GRCh37 (hg19) VCF-style: chr6-51637552-G-C.
Other names: c.8590C>G, p.Pro2864Ala (NM_170724.3); short protein forms P2864A.
Identifiers: ClinVar variation 1715708 (VCV001715708.6), dbSNP rs2534280363, ClinGen allele CA364435478.